The following is an entry in ClinVar:

ClinVar aggregate classification (germline): Benign/Likely benign. Review status: criteria provided, multiple submitters, no conflicts (2 of 4 stars). 3 submissions from 3 submitters: Benign (2); Likely benign (1). Last evaluated 2026-01-13.

Conditions:
Macular corneal dystrophy (MCD). Also called: GROENOUW TYPE II CORNEAL DYSTROPHY; Macular corneal dystrophy Type I. Identifiers: Orphanet 98969, MedGen C1636149, MONDO:0009020, OMIM 217800.

Allele frequency attached by ClinVar (database versions not stated): 1000 Genomes Project 30x 0.00047; 1000 Genomes Project 0.00060; ExAC 0.00075; gnomAD exomes 0.00076 and 0.00122; TOPMed 0.00076; gnomAD 0.00084 and 0.00085; ESP Exome Variant Server 0.00108.
gnomAD v4.1: 1,893 of 1,612,108 alleles (0.12%); highest among the groups gnomAD compares: Non-Finnish European, 0.14%; 5 homozygotes.

Submissions (3):

Labcorp Genetics (formerly Invitae), Labcorp
Classification: Benign for Macular corneal dystrophy. Last evaluated: 2026-01-13. Review status: criteria provided, single submitter. Criteria: Invitae Variant Classification Sherloc (09022015). Collection method: clinical testing. Allele origin: germline.

Blueprint Genetics
Classification: Likely benign. Last evaluated: 2024-11-01. Review status: criteria provided, single submitter. Criteria: ACMG Guidelines, 2015. Collection method: clinical testing. Allele origin: germline.

Illumina Laboratory Services, Illumina
Classification: Benign for Macular corneal dystrophy. Last evaluated: 2017-04-27. Review status: criteria provided, single submitter. Criteria: ICSL Variant Classification Criteria 13 December 2019. Collection method: clinical testing. Allele origin: germline.
Comment: This variant was observed as part of a predisposition screen in an ostensibly healthy population. A literature search was performed for the gene, cDNA change, and amino acid change (where applicable). Publications were found based on this search. The evidence from the literature, in combination with allele frequency data from public databases where available, was sufficient to rule this variant out of causing disease. Therefore, this variant is classified as benign.

Literature cited by the submitters: PubMed 17093400 (cited by Illumina Laboratory Services, Illumina).

NM_021615.5(CHST6):c.828G>A (p.Leu276=)

Gene: CHST6 (carbohydrate sulfotransferase 6; minus strand). Cytogenetic location: 16q23.1.
Variant type: single nucleotide variant.
Coding change: c.828G>A on transcript NM_021615.5 (MANE Select); coding-DNA position 828, G replaced by A.
Protein change: p.Leu276=; no amino-acid change (leucine 276 retained).
Molecular consequence: synonymous variant.
Genome position (GRCh38, 1-based): chr16:75,479,001, C>T on the plus strand (G>A on the coding strand, the complement: CHST6 is on the minus strand). VCF-style: chr16-75479001-C-T. GRCh37 (hg19) VCF-style: chr16-75512899-C-T.
Identifiers: ClinVar variation 710373 (VCV000710373.13), dbSNP rs140327212, ClinGen allele CA8175377.